The following is an entry in ClinVar:

NM_003036.4(SKI):c.342G>T (p.Val114=)

Gene: SKI (SKI proto-oncogene; plus strand). Cytogenetic location: 1p36.33.
Variant type: single nucleotide variant.
Coding change: c.342G>T on transcript NM_003036.4 (MANE Select); coding-DNA position 342, G replaced by T.
Protein change: p.Val114=; no amino-acid change (valine 114 retained).
Molecular consequence: synonymous variant.
Genome position (GRCh38, 1-based): chr1:2,229,108, G>T. VCF-style: chr1-2229108-G-T. GRCh37 (hg19) VCF-style: chr1-2160547-G-T.
Identifiers: ClinVar variation 390742 (VCV000390742.4), dbSNP rs1057523880, ClinGen allele CA16603582.

ClinVar aggregate classification (germline): Likely benign. Review status: criteria provided, multiple submitters, no conflicts (2 of 4 stars). 2 submissions from 2 submitters: Likely benign (2). Last evaluated 2025-06-25.

Conditions:
Shprintzen-Goldberg syndrome (SGS). Also called: SHPRINTZEN-GOLDBERG CRANIOSYNOSTOSIS SYNDROME; CRANIOSYNOSTOSIS WITH ARACHNODACTYLY AND ABDOMINAL HERNIAS; Marfanoid disorder with craniosynostosis type 1; Marfanoid craniosynostosis syndrome; Shprintzen-Goldberg marfanoid syndrome. Identifiers: Orphanet 2462, MedGen C1321551, MONDO:0008426, OMIM 182212.

gnomAD v4.1: 1 of 1,610,280 alleles (0.000062%); highest among the groups gnomAD compares: Non-Finnish European, 0.000085%; no homozygotes.

Submissions (2):

Labcorp Genetics (formerly Invitae), Labcorp
Classification: Likely benign for Shprintzen-Goldberg syndrome. Last evaluated: 2025-06-25. Review status: criteria provided, single submitter. Criteria: Invitae Variant Classification Sherloc (09022015). Collection method: clinical testing. Allele origin: germline.

GeneDx
Classification: Likely benign. Last evaluated: 2016-11-16. Review status: criteria provided, single submitter. Criteria: GeneDx Variant Classification (06012015). Collection method: clinical testing. Allele origin: germline. Affected: yes.
Comment: This variant is considered likely benign or benign based on one or more of the following criteria: it is a conservative change, it occurs at a poorly conserved position in the protein, it is predicted to be benign by multiple in silico algorithms, and/or has population frequency not consistent with disease.